The following is an entry in ClinVar:

ClinVar aggregate classification (germline): Likely benign. Review status: criteria provided, single submitter (1 of 4 stars). 2 submissions from 2 submitters: Likely benign (1). 1 of the submissions does not count toward it. Last evaluated 2026-01-01.

Conditions:
KCNMA1-related disorder. Also called: KCNMA1-related condition; KCNMA1-related disorders.
Generalized epilepsy-paroxysmal dyskinesia syndrome (PNKD3). Also called: Generalized epilepsy and paroxysmal dyskinesia; Paroxysmal nonkinesigenic dyskinesia, 3, with or without generalized epilepsy. Identifiers: Orphanet 79137, MedGen C5574945, MONDO:0012276, OMIM 609446.

Allele frequency attached by ClinVar (database versions not stated): gnomAD exomes 0.00002 and 0.00005; ExAC 0.00003; TOPMed 0.00004; ESP Exome Variant Server 0.00015.
gnomAD v4.1: 77 of 1,613,620 alleles (0.0048%); highest among the groups gnomAD compares: Non-Finnish European, 0.0062%; no homozygotes.

Submissions (2):

Labcorp Genetics (formerly Invitae), Labcorp
Classification: Likely benign for Generalized epilepsy-paroxysmal dyskinesia syndrome. Last evaluated: 2026-01-01. Review status: criteria provided, single submitter. Criteria: Invitae Variant Classification Sherloc (09022015). Collection method: clinical testing. Allele origin: germline.

PreventionGenetics, part of Exact Sciences
Classification: Likely benign for KCNMA1-related condition. Last evaluated: 2024-05-22. Review status: no assertion criteria provided. Collection method: clinical testing. Allele origin: germline. Not counted in ClinVar's aggregate classification.
Comment: This variant is classified as likely benign based on ACMG/AMP sequence variant interpretation guidelines (Richards et al. 2015 PMID: 25741868, with internal and published modifications).

NM_001161352.2(KCNMA1):c.2955C>T (p.His985=)

Genes: KCNMA1-AS1 (KCNMA1 antisense RNA 1; plus strand), KCNMA1 (potassium calcium-activated channel subfamily M alpha 1; minus strand). Cytogenetic location: 10q22.3.
Variant type: single nucleotide variant.
Coding change: c.2955C>T on transcript NM_001161352.2 (MANE Select); coding-DNA position 2955, C replaced by T.
Protein change: p.His985=; no amino-acid change (histidine 985 retained).
Molecular consequence: synonymous variant.
Genome position (GRCh38, 1-based): chr10:76,914,997, G>A on the plus strand (C>T on the coding strand, the complement: KCNMA1 is on the minus strand). VCF-style: chr10-76914997-G-A. GRCh37 (hg19) VCF-style: chr10-78674755-G-A.
Other names: c.2793C>T, p.His931= (NM_001014797.3, NM_001322835.2, NM_001322837.2); c.2904C>T, p.His968= (NM_001161353.2); c.2631C>T, p.His877= (NM_001271518.2); c.2790C>T, p.His930= (NM_001271519.2, NM_001322829.2, NM_001322836.2); c.2802C>T, p.His934= (NM_001322830.2); c.2781C>T, p.His927= (NM_001322832.2, NM_002247.4); c.2328C>T, p.His776= (NM_001322838.2); c.2781C>T (NM_002247.3).
Identifiers: ClinVar variation 1123600 (VCV001123600.10), dbSNP rs373428657, ClinGen allele CA5567952.